The following is an entry in ClinVar:

NM_015474.4(SAMHD1):c.503G>T (p.Ser168Ile)

Gene: SAMHD1 (SAM and HD domain containing deoxynucleoside triphosphate triphosphohydrolase 1; minus strand). Cytogenetic location: 20q11.23.
Variant type: single nucleotide variant.
Coding change: c.503G>T on transcript NM_015474.4 (MANE Select); coding-DNA position 503, G replaced by T.
Protein change: p.Ser168Ile; replaces serine 168 with isoleucine.
Molecular consequence: missense variant.
Genome position (GRCh38, 1-based): chr20:36,935,035, C>A on the plus strand (G>T on the coding strand, the complement: SAMHD1 is on the minus strand). VCF-style: chr20-36935035-C-A. GRCh37 (hg19) VCF-style: chr20-35563438-C-A.
Other names: c.503G>T, p.Ser168Ile (NM_001363729.2, NM_001363733.2); short protein forms S168I.
Identifiers: ClinVar variation 1348388 (VCV001348388.8), dbSNP rs2146137354, ClinGen allele CA408822756.

ClinVar aggregate classification (germline): Uncertain significance (1 of 4 stars; one submission).

Conditions:
Aicardi-Goutieres syndrome 5. Identifiers: Orphanet 51, MedGen C2749659, MONDO:0013059, OMIM 612952.

Submission:

Labcorp Genetics (formerly Invitae), Labcorp
Classification: Uncertain significance for Aicardi-Goutieres syndrome 5. Last evaluated: 2021-04-24. Review status: criteria provided, single submitter. Criteria: Invitae Variant Classification Sherloc (09022015). Collection method: clinical testing. Allele origin: germline.
Comment: This variant is not present in population databases (ExAC no frequency). This sequence change replaces serine with isoleucine at codon 168 of the SAMHD1 protein (p.Ser168Ile). The serine residue is highly conserved and there is a large physicochemical difference between serine and isoleucine. This variant has not been reported in the literature in individuals with SAMHD1-related conditions. In summary, the available evidence is currently insufficient to determine the role of this variant in disease. Therefore, it has been classified as a Variant of Uncertain Significance. Algorithms developed to predict the effect of missense changes on protein structure and function are either unavailable or do not agree on the potential impact of this missense change (SIFT: "Deleterious"; PolyPhen-2: "Probably Damaging"; Align-GVGD: "Class C0").